The following is an entry in ClinVar:

NM_021222.3(PRUNE1):c.670G>A (p.Asp224Asn)

Gene: PRUNE1 (prune exopolyphosphatase 1; plus strand). Cytogenetic location: 1q21.3.
Variant type: single nucleotide variant.
Coding change: c.670G>A on transcript NM_021222.3 (MANE Select); coding-DNA position 670, G replaced by A.
Protein change: p.Asp224Asn; replaces aspartic acid 224 with asparagine.
Molecular consequence: missense variant. On other transcripts: non-coding transcript variant (2), intron variant (1).
Genome position (GRCh38, 1-based): chr1:151,025,664, G>A. VCF-style: chr1-151025664-G-A. GRCh37 (hg19) VCF-style: chr1-150998140-G-A.
Other names: c.124G>A, p.Asp42Asn (NM_001303229.2); c.670G>A, p.Asp224Asn (NM_001303242.2); c.77-1569G>A (NM_001303243.2); short protein forms D224N, D42N.
Identifiers: ClinVar variation 2104763 (VCV002104763.4), dbSNP rs2528387097, ClinGen allele CA341905835.
Genomic context (GRCh38, chr1:151,025,664, plus strand): 5'-CTTTTCCCAGACCTACCCAAGAGAAATGATATATTTGATTCCCTACAAAAGGCAAAGTTT[G>A]ATGTATCAGGTATGAAATGTTAGCTGACTTTTCTGCCTCCCAGATAAGAAAACAGAAAGG-3'
Protein context (NP_067045.1, residues 214-234): IFDSLQKAKF[Asp224Asn]VSGLTTEQML

ClinVar aggregate classification (germline): Uncertain significance (1 of 4 stars; one submission).

Submission:

Labcorp Genetics (formerly Invitae), Labcorp
Classification: Uncertain significance. Last evaluated: 2022-03-04. Review status: criteria provided, single submitter. Criteria: Invitae Variant Classification Sherloc (09022015). Collection method: clinical testing. Allele origin: germline.
Comment: In summary, the available evidence is currently insufficient to determine the role of this variant in disease. Therefore, it has been classified as a Variant of Uncertain Significance. Algorithms developed to predict the effect of missense changes on protein structure and function are either unavailable or do not agree on the potential impact of this missense change (SIFT: "Deleterious"; PolyPhen-2: "Probably Damaging"; Align-GVGD: "Class C0"). This variant has not been reported in the literature in individuals affected with PRUNE1-related conditions. This variant is not present in population databases (gnomAD no frequency). This sequence change replaces aspartic acid, which is acidic and polar, with asparagine, which is neutral and polar, at codon 224 of the PRUNE1 protein (p.Asp224Asn).